The following is an entry in ClinVar:

ClinVar aggregate classification (germline): Pathogenic. Review status: criteria provided, single submitter (1 of 4 stars). 2 submissions from 2 submitters: Pathogenic (1). 1 of the submissions does not count toward it. Last evaluated 2025-10-24.

Conditions:
LAMC2-related disorder. Also called: LAMC2-related condition.

Allele frequency attached by ClinVar (database versions not stated): ExAC 0.00001; gnomAD exomes 0.00001.
gnomAD v4.1: 14 of 1,613,992 alleles (0.00087%); highest among the groups gnomAD compares: Non-Finnish European, 0.0011%; no homozygotes.

Submissions (2):

Labcorp Genetics (formerly Invitae), Labcorp
Classification: Pathogenic. Last evaluated: 2025-10-24. Review status: criteria provided, single submitter. Criteria: Invitae Variant Classification Sherloc (09022015). Collection method: clinical testing. Allele origin: germline.
Comment: This sequence change creates a premature translational stop signal (p.Arg337*) in the LAMC2 gene. It is expected to result in an absent or disrupted protein product. Loss-of-function variants in LAMC2 are known to be pathogenic (PMID: 11907499, 16473856). This variant is present in population databases (rs761475328, gnomAD 0.003%). This variant has not been reported in the literature in individuals affected with LAMC2-related conditions. ClinVar contains an entry for this variant (Variation ID: 1071582). For these reasons, this variant has been classified as Pathogenic.

PreventionGenetics, part of Exact Sciences
Classification: Likely pathogenic for LAMC2-related condition. Last evaluated: 2024-09-26. Review status: no assertion criteria provided. Collection method: clinical testing. Allele origin: germline. Not counted in ClinVar's aggregate classification.
Comment: The LAMC2 c.1009C>T variant is predicted to result in premature protein termination (p.Arg337*). To our knowledge, this variant has not been reported in the literature. This variant is reported in 0.0026% of alleles in individuals of European (Non-Finnish) descent in gnomAD. Nonsense variants in LAMC2 are expected to be pathogenic. This variant is interpreted as likely pathogenic.

Literature cited by the submitters: PubMed 11907499 (cited by Labcorp Genetics (formerly Invitae), Labcorp); PubMed 16473856 (cited by Labcorp Genetics (formerly Invitae), Labcorp).

NM_005562.3(LAMC2):c.1009C>T (p.Arg337Ter)

Gene: LAMC2 (laminin subunit gamma 2; plus strand). Cytogenetic location: 1q25.3.
Variant type: single nucleotide variant.
Coding change: c.1009C>T on transcript NM_005562.3 (MANE Select); coding-DNA position 1009, C replaced by T.
Protein change: p.Arg337Ter; replaces arginine 337 with a stop codon.
Molecular consequence: nonsense.
Genome position (GRCh38, 1-based): chr1:183,225,663, C>T. VCF-style: chr1-183225663-C-T. GRCh37 (hg19) VCF-style: chr1-183194798-C-T.
Other names: c.1009C>T (NM_005562.2); c.1009C>T, p.Arg337Ter (NM_018891.3); short protein forms R337*.
Identifiers: ClinVar variation 1071582 (VCV001071582.8), dbSNP rs761475328, ClinGen allele CA1282501.